The following is an entry in ClinVar:

ClinVar aggregate classification (germline): Uncertain significance (1 of 4 stars; one submission).

Conditions:
Familial cold autoinflammatory syndrome 3 (FCAS3). Also called: ANTIBODY DEFICIENCY AND IMMUNE DYSREGULATION, PLCG2-ASSOCIATED; FAMILIAL ATYPICAL COLD URTICARIA. Identifiers: Orphanet 300359, MedGen C3280914, MONDO:0013766, OMIM 614468.

Allele frequency attached by ClinVar (database versions not stated): ExAC 0.00001; gnomAD exomes 0.00001.
gnomAD v4.1: 11 of 1,614,044 alleles (0.00068%); highest among the groups gnomAD compares: South Asian, 0.0011%; no homozygotes.

Submission:

Labcorp Genetics (formerly Invitae), Labcorp
Classification: Uncertain significance for Familial cold autoinflammatory syndrome 3. Last evaluated: 2020-07-23. Review status: criteria provided, single submitter. Criteria: Invitae Variant Classification Sherloc (09022015). Collection method: clinical testing. Allele origin: germline.
Comment: This sequence change replaces asparagine with serine at codon 1031 of the PLCG2 protein (p.Asn1031Ser). The asparagine residue is highly conserved and there is a small physicochemical difference between asparagine and serine. This variant is present in population databases (rs747605077, ExAC 0.001%). This variant has not been reported in the literature in individuals with PLCG2-related conditions. Algorithms developed to predict the effect of missense changes on protein structure and function are either unavailable or do not agree on the potential impact of this missense change (SIFT: "Deleterious"; PolyPhen-2: "Benign"; Align-GVGD: "Class C45"). Algorithms developed to predict the effect of sequence changes on RNA splicing suggest that this variant may create or strengthen a splice site, but this prediction has not been confirmed by published transcriptional studies. In summary, the available evidence is currently insufficient to determine the role of this variant in disease. Therefore, it has been classified as a Variant of Uncertain Significance.

NM_002661.5(PLCG2):c.3092A>G (p.Asn1031Ser)

Gene: PLCG2 (phospholipase C gamma 2; plus strand). Cytogenetic location: 16q23.3.
Variant type: single nucleotide variant.
Coding change: c.3092A>G on transcript NM_002661.5 (MANE Select); coding-DNA position 3092, A replaced by G.
Protein change: p.Asn1031Ser; replaces asparagine 1031 with serine.
Molecular consequence: missense variant.
Genome position (GRCh38, 1-based): chr16:81,937,797, A>G. VCF-style: chr16-81937797-A-G. GRCh37 (hg19) VCF-style: chr16-81971402-A-G.
Other names: short protein forms N1031S.
Identifiers: ClinVar variation 1025337 (VCV001025337.8), dbSNP rs747605077, ClinGen allele CA8194560.
Genomic context (GRCh38, chr16:81,937,797, plus strand): 5'-GGCGTTCACTTTCCTTCCCAGATAAGTACATGCAGATGAATCACGCATTGTTTTCTCTCA[A>G]TGGGCGCACGGGCTACGTTCTGCAGCCTGAGAGCATGAGGACAGAGAAATATGACCCGAT-3'
Protein context (NP_002652.2, residues 1021-1041): MQMNHALFSL[Asn1031Ser]GRTGYVLQPE